The following is an entry in ClinVar:

ClinVar aggregate classification (germline): Conflicting classifications of pathogenicity. Review status: criteria provided, conflicting classifications (1 of 4 stars). 3 submissions from 3 submitters: Uncertain significance (2); Likely benign (1). Last evaluated 2025-01-03.

Conditions:
Emery-Dreifuss muscular dystrophy 4, autosomal dominant (EDMD4). Also called: EMERY-DREIFUSS MUSCULAR DYSTROPHY 4 WITH VARIABLE FEATURES. Identifiers: Orphanet 261, MedGen C2751807, MONDO:0013071, OMIM 612998.
Autosomal recessive ataxia, Beauce type. Also called: ATAXIA, RECESSIVE, OF BEAUCE; SYNE1-Related Autosomal Recessive Cerebellar Ataxia; Spinocerebellar ataxia, autosomal recessive 8; SYNE1 Deficiency. Identifiers: Orphanet 88644, MedGen C1853116, MONDO:0012549, OMIM 610743.

Allele frequency attached by ClinVar (database versions not stated): gnomAD exomes 0.00001 and 0.00005; ExAC 0.00005; ESP Exome Variant Server 0.00008; gnomAD 0.00014; TOPMed 0.00019; 1000 Genomes Project 30x 0.00047; 1000 Genomes Project 0.00060.
gnomAD v4.1: 41 of 1,613,682 alleles (0.0025%); highest among the groups gnomAD compares: African/African-American, 0.047%; no homozygotes.

Submissions (3):

Revvity Omics, Revvity
Classification: Uncertain significance. Last evaluated: 2025-01-03. Review status: criteria provided, single submitter. Criteria: ACMG Guidelines, 2015. Collection method: clinical testing. Allele origin: germline.

Labcorp Genetics (formerly Invitae), Labcorp
Classification: Uncertain significance for Emery-Dreifuss muscular dystrophy 4, autosomal dominant; Autosomal recessive ataxia, Beauce type. Last evaluated: 2022-04-30. Review status: criteria provided, single submitter. Criteria: Invitae Variant Classification Sherloc (09022015). Collection method: clinical testing. Allele origin: germline.
Comment: In summary, the available evidence is currently insufficient to determine the role of this variant in disease. Therefore, it has been classified as a Variant of Uncertain Significance. Variants that disrupt the consensus splice site are a relatively common cause of aberrant splicing (PMID: 17576681, 9536098). Algorithms developed to predict the effect of sequence changes on RNA splicing suggest that this variant is not likely to affect RNA splicing. ClinVar contains an entry for this variant (Variation ID: 390049). This variant has not been reported in the literature in individuals affected with SYNE1-related conditions. This variant is present in population databases (rs376927135, gnomAD 0.07%). This sequence change falls in intron 85 of the SYNE1 gene. It does not directly change the encoded amino acid sequence of the SYNE1 protein. It affects a nucleotide within the consensus splice site.

GeneDx
Classification: Likely benign. Last evaluated: 2017-09-06. Review status: criteria provided, single submitter. Criteria: GeneDx Variant Classification (06012015). Collection method: clinical testing. Allele origin: germline. Affected: yes.
Comment: This variant is considered likely benign or benign based on one or more of the following criteria: it is a conservative change, it occurs at a poorly conserved position in the protein, it is predicted to be benign by multiple in silico algorithms, and/or has population frequency not consistent with disease.

Literature cited by the submitters: PubMed 17576681 (cited by Labcorp Genetics (formerly Invitae), Labcorp); PubMed 9536098 (cited by Labcorp Genetics (formerly Invitae), Labcorp).

NM_182961.4(SYNE1):c.16573-3C>T

Gene: SYNE1 (spectrin repeat containing nuclear envelope protein 1; minus strand). Cytogenetic location: 6q25.2.
Variant type: single nucleotide variant.
Coding change: c.16573-3C>T on transcript NM_182961.4 (MANE Select); 3 bases into the intron before coding-DNA position 16573, C replaced by T.
Molecular consequence: intron variant.
Genome position (GRCh38, 1-based): chr6:152,316,989, G>A on the plus strand (C>T on the coding strand, the complement: SYNE1 is on the minus strand). VCF-style: chr6-152316989-G-A. GRCh37 (hg19) VCF-style: chr6-152638124-G-A.
Other names: c.16360-3C>T (NM_033071.5).
Identifiers: ClinVar variation 390049 (VCV000390049.11), dbSNP rs376927135, ClinGen allele CA4055472.